The following is an entry in ClinVar:

ClinVar aggregate classification (germline): Uncertain significance (1 of 4 stars; one submission).

Conditions:
Long QT syndrome (LQTS). Identifiers: MedGen C0023976, MeSH D008133, MONDO:0002442. Disease mechanism: loss of function. Inheritance: Various modes of inheritance.

gnomAD v4.1: 1 of 1,613,960 alleles (0.000062%); highest among the groups gnomAD compares: Non-Finnish European, 0.000085%; no homozygotes.

Submission:

Labcorp Genetics (formerly Invitae), Labcorp
Classification: Uncertain significance for Long QT syndrome. Last evaluated: 2025-11-03. Review status: criteria provided, single submitter. Criteria: Invitae Variant Classification Sherloc (09022015). Collection method: clinical testing. Allele origin: germline.
Comment: This sequence change creates a premature translational stop signal (p.Gln246*) in the AKAP9 gene. It is expected to result in an absent or disrupted protein product. However, the current clinical and genetic evidence is not sufficient to establish whether loss-of-function variants in AKAP9 cause disease. The frequency data for this variant in the population databases is considered unreliable, as metrics indicate poor data quality at this position in the gnomAD database. This variant has not been reported in the literature in individuals affected with AKAP9-related conditions. In summary, the available evidence is currently insufficient to determine the role of this variant in disease. Therefore, it has been classified as a Variant of Uncertain Significance.

NM_005751.5(AKAP9):c.736C>T (p.Gln246Ter)

Genes: AKAP9 (A-kinase anchoring protein 9; plus strand), LOC129998789 (ATAC-STARR-seq lymphoblastoid silent region 18366; plus strand). Cytogenetic location: 7q21.2.
Variant type: single nucleotide variant.
Coding change: c.736C>T on transcript NM_005751.5 (MANE Select); coding-DNA position 736, C replaced by T.
Protein change: p.Gln246Ter; replaces glutamine 246 with a stop codon.
Molecular consequence: nonsense.
Genome position (GRCh38, 1-based): chr7:91,995,606, C>T. VCF-style: chr7-91995606-C-T. GRCh37 (hg19) VCF-style: chr7-91624920-C-T.
Other names: c.736C>T, p.Gln246Ter (NM_147185.3); short protein forms Q246*.
Identifiers: ClinVar variation 4705422 (VCV004705422.1).
Genomic context (GRCh38, chr7:91,995,606, plus strand): 5'-GTTCCCTAATACAGTCACTTCAGAATTTAACGTTTTGAGGTTTCTTTCTATTTTCAGTTA[C>T]AGGCTAGTGAAACTCTGAGAAACAGCACTCATAGTAGCACAGCTGCAGACTTACTACAAG-3'